The following is an entry in ClinVar:

NM_006361.6(HOXB13):c.392C>T (p.Pro131Leu)

Gene: HOXB13 (homeobox B13; minus strand). Cytogenetic location: 17q21.32.
Variant type: single nucleotide variant.
Coding change: c.392C>T on transcript NM_006361.6 (MANE Select); coding-DNA position 392, C replaced by T.
Protein change: p.Pro131Leu; replaces proline 131 with leucine.
Molecular consequence: missense variant.
Genome position (GRCh38, 1-based): chr17:48,728,202, G>A on the plus strand (C>T on the coding strand, the complement: HOXB13 is on the minus strand). VCF-style: chr17-48728202-G-A. GRCh37 (hg19) VCF-style: chr17-46805564-G-A.
Other names: short protein forms P131L.
Identifiers: ClinVar variation 1736254 (VCV001736254.5), dbSNP rs2038234130, ClinGen allele CA400107551.
Genomic context (GRCh38, chr17:48,728,202, plus strand): 5'-GTCTGCACCACAGACACGTCCAGGTAACTGGCCATAGGCTGGTAGGTTCCCGGATATCCC[G>A]GATAGAAGGCAAACTCAGTGGGGCGGCTGGGGTACTCTTCCCCGGCCGTGGGAGTCTCCG-3'
Protein context (NP_006352.2, residues 121-141): PSRPTEFAFY[Pro131Leu]GYPGTYQPMA

ClinVar aggregate classification (germline): Uncertain significance. Review status: criteria provided, multiple submitters, no conflicts (2 of 4 stars). 2 submissions from 2 submitters: Uncertain significance (2). Last evaluated 2025-03-31.

Conditions:
Hereditary cancer-predisposing syndrome. Also called: Neoplastic Syndromes, Hereditary; Tumor predisposition; Hereditary Cancer Syndrome; Hereditary neoplastic syndrome. Identifiers: Orphanet 140162, MedGen C0027672, MeSH D009386, MONDO:0015356.

Allele frequency attached by ClinVar (database versions not stated): TOPMed below 0.00001.

Submissions (2):

Ambry Genetics
Classification: Uncertain significance for Hereditary cancer-predisposing syndrome. Last evaluated: 2025-03-31. Review status: criteria provided, single submitter. Criteria: Ambry Variant Classification Scheme 2023. Collection method: clinical testing. Allele origin: germline.
Comment: The p.P131L variant (also known as c.392C>T), located in coding exon 1 of the HOXB13 gene, results from a C to T substitution at nucleotide position 392. The proline at codon 131 is replaced by leucine, an amino acid with similar properties. This amino acid position is conserved. In addition, the in silico prediction for this alteration is inconclusive. Since supporting evidence is limited at this time, the clinical significance of this alteration remains unclear.

Labcorp Genetics (formerly Invitae), Labcorp
Classification: Uncertain significance. Last evaluated: 2024-11-26. Review status: criteria provided, single submitter. Criteria: Invitae Variant Classification Sherloc (09022015). Collection method: clinical testing. Allele origin: germline.
Comment: This sequence change replaces proline, which is neutral and non-polar, with leucine, which is neutral and non-polar, at codon 131 of the HOXB13 protein (p.Pro131Leu). This variant is not present in population databases (gnomAD no frequency). This variant has not been reported in the literature in individuals affected with HOXB13-related conditions. ClinVar contains an entry for this variant (Variation ID: 1736254). Invitae Evidence Modeling of protein sequence and biophysical properties (such as structural, functional, and spatial information, amino acid conservation, physicochemical variation, residue mobility, and thermodynamic stability) indicates that this missense variant is not expected to disrupt HOXB13 protein function with a negative predictive value of 80%. In summary, the available evidence is currently insufficient to determine the role of this variant in disease. Therefore, it has been classified as a Variant of Uncertain Significance.